The following is an entry in ClinVar:

ClinVar aggregate classification (germline): Uncertain significance. Review status: criteria provided, multiple submitters, no conflicts (2 of 4 stars). 3 submissions from 3 submitters: Uncertain significance (3). Last evaluated 2025-05-01.

Conditions:
PNKD-related disorder. Also called: PNKD-related condition.
Paroxysmal nonkinesigenic dyskinesia. Also called: Paroxysmal non-kinesigenic dyskinesia. Identifiers: Orphanet 98810, MedGen C1869117, MONDO:0700088.
Inborn genetic diseases. Identifiers: MedGen C0950123, MeSH D030342.

Allele frequency attached by ClinVar (database versions not stated): TOPMed 0.00003; gnomAD 0.00004; gnomAD exomes 0.00006; ExAC 0.00007; ESP Exome Variant Server 0.00008.
gnomAD v4.1: 84 of 1,613,848 alleles (0.0052%); highest among the groups gnomAD compares: Non-Finnish European, 0.005%; no homozygotes.

Submissions (3):

PreventionGenetics, part of Exact Sciences
Classification: Uncertain significance for PNKD-related condition. Last evaluated: 2025-05-01. Review status: criteria provided, single submitter. Criteria: ACMG Guidelines, 2015. Collection method: clinical testing. Allele origin: germline.
Comment: The PNKD c.1103G>A variant is predicted to result in the amino acid substitution p.Arg368Gln. To our knowledge, this variant has not been reported in the literature. This variant is reported in 0.050% of alleles in individuals of Ashkenazi Jewish descent in gnomAD. At this time, the clinical significance of this variant is uncertain due to the absence of conclusive functional and genetic evidence.

Labcorp Genetics (formerly Invitae), Labcorp
Classification: Uncertain significance for Paroxysmal nonkinesigenic dyskinesia. Last evaluated: 2025-03-05. Review status: criteria provided, single submitter. Criteria: Invitae Variant Classification Sherloc (09022015). Collection method: clinical testing. Allele origin: germline.
Comment: This sequence change replaces arginine, which is basic and polar, with glutamine, which is neutral and polar, at codon 368 of the PNKD protein (p.Arg368Gln). This variant is present in population databases (rs372191275, gnomAD 0.05%), and has an allele count higher than expected for a pathogenic variant. This variant has not been reported in the literature in individuals affected with PNKD-related conditions. ClinVar contains an entry for this variant (Variation ID: 954952). Invitae Evidence Modeling of protein sequence and biophysical properties (such as structural, functional, and spatial information, amino acid conservation, physicochemical variation, residue mobility, and thermodynamic stability) indicates that this missense variant is not expected to disrupt PNKD protein function with a negative predictive value of 80%. In summary, the available evidence is currently insufficient to determine the role of this variant in disease. Therefore, it has been classified as a Variant of Uncertain Significance.

Ambry Genetics
Classification: Uncertain significance for Inborn genetic diseases. Last evaluated: 2024-10-29. Review status: criteria provided, single submitter. Criteria: Ambry Variant Classification Scheme 2023. Collection method: clinical testing. Allele origin: germline.

NM_015488.5(PNKD):c.1103G>A (p.Arg368Gln)

Genes: CATIP-AS2 (CATIP antisense RNA 2; minus strand), PNKD (PNKD metallo-beta-lactamase domain containing; plus strand). Cytogenetic location: 2q35.
Variant type: single nucleotide variant.
Coding change: c.1103G>A on transcript NM_015488.5 (MANE Select); coding-DNA position 1103, G replaced by A.
Protein change: p.Arg368Gln; replaces arginine 368 with glutamine.
Molecular consequence: missense variant.
Genome position (GRCh38, 1-based): chr2:218,344,926, G>A. VCF-style: chr2-218344926-G-A. GRCh37 (hg19) VCF-style: chr2-219209649-G-A.
Other names: c.1031G>A, p.Arg344Gln (NM_022572.5); short protein forms R344Q, R368Q.
Identifiers: ClinVar variation 954952 (VCV000954952.9), dbSNP rs372191275, ClinGen allele CA2104208.